The following is an entry in ClinVar:

NM_022051.3(EGLN1):c.865A>G (p.Ser289Gly)

Genes: EGLN1 (egl-9 family hypoxia inducible factor 1; minus strand), LOC129932769 (ATAC-STARR-seq lymphoblastoid active region 2730; plus strand). Cytogenetic location: 1q42.2.
Variant type: single nucleotide variant.
Coding change: c.865A>G on transcript NM_022051.3 (MANE Select); coding-DNA position 865, A replaced by G.
Protein change: p.Ser289Gly; replaces serine 289 with glycine.
Molecular consequence: missense variant.
Genome position (GRCh38, 1-based): chr1:231,421,024, T>C on the plus strand (A>G on the coding strand, the complement: EGLN1 is on the minus strand). VCF-style: chr1-231421024-T-C. GRCh37 (hg19) VCF-style: chr1-231556770-T-C.
Other names: c.865A>G, p.Ser289Gly (NM_001377260.1, NM_001377261.1); short protein forms S289G.
Identifiers: ClinVar variation 4827081 (VCV004827081.1).

ClinVar aggregate classification (germline): Uncertain significance (1 of 4 stars; one submission).

Submission:

Ambry Genetics
Classification: Uncertain significance. Last evaluated: 2025-12-24. Review status: criteria provided, single submitter. Criteria: Ambry Variant Classification Scheme 2023. Collection method: clinical testing. Allele origin: germline.
Comment: The p.S289G variant (also known as c.865A>G), located in coding exon 1 of the EGLN1 gene, results from an A to G substitution at nucleotide position 865. The serine at codon 289 is replaced by glycine, an amino acid with similar properties. This amino acid position is poorly conserved in available vertebrate species. In addition, this alteration is predicted to be tolerated by in silico analysis. The evidence for this gene-disease relationship is limited; therefore, the clinical significance of this alteration is unclear.